The following is an entry in ClinVar:

ClinVar aggregate classification (germline): Likely benign (0 of 4 stars; one submission).

Conditions:
VPS51-related disorder. Also called: VPS51-related condition.

Allele frequency attached by ClinVar (database versions not stated): ExAC 0.00042; 1000 Genomes Project 30x 0.00094; gnomAD 0.00102; TOPMed 0.00113; 1000 Genomes Project 0.00120.
gnomAD v4.1: 286 of 1,535,214 alleles (0.019%); highest among the groups gnomAD compares: African/African-American, 0.33%; 1 homozygote.

Submission:

PreventionGenetics, part of Exact Sciences
Classification: Likely benign for VPS51-related condition. Last evaluated: 2021-08-19. Review status: no assertion criteria provided. Collection method: clinical testing. Allele origin: germline.
Comment: This variant is classified as likely benign based on ACMG/AMP sequence variant interpretation guidelines (Richards et al. 2015 PMID: 25741868, with internal and published modifications).

NM_013265.4(VPS51):c.1167C>T (p.Ala389=)

Gene: VPS51 (VPS51 subunit of GARP complex; plus strand). Cytogenetic location: 11q13.1.
Variant type: single nucleotide variant.
Coding change: c.1167C>T on transcript NM_013265.4 (MANE Select); coding-DNA position 1167, C replaced by T.
Protein change: p.Ala389=; no amino-acid change (alanine 389 retained).
Molecular consequence: synonymous variant. On other transcripts: non-coding transcript variant (1).
Genome position (GRCh38, 1-based): chr11:65,108,638, C>T. VCF-style: chr11-65108638-C-T. GRCh37 (hg19) VCF-style: chr11-64876110-C-T.
Identifiers: ClinVar variation 3040843 (VCV003040843.2), dbSNP rs145959966, ClinGen allele CA6090501.